The following is an entry in ClinVar:

ClinVar aggregate classification (germline): Likely pathogenic (1 of 4 stars; one submission).

Conditions:
ABCB4-related disorder. Also called: ABCB4-related disorders; ABCB4-related condition.

Submission:

PreventionGenetics, part of Exact Sciences
Classification: Likely pathogenic for ABCB4-related condition. Last evaluated: 2026-06-08. Review status: criteria provided, single submitter. Criteria: ACMG Guidelines, 2015. Collection method: clinical testing. Allele origin: germline.
Comment: The ABCB4 c.97_100delAAAA variant is predicted to result in a frameshift and premature protein termination (p.Lys33Argfs*4). To our knowledge, this variant has not been reported in the literature. This variant is reported in 0.00088% of alleles in individuals of European (Non-Finnish) descent in gnomAD. Frameshift variants in ABCB4 are expected to be pathogenic. Of note, premature protein terminations caused by truncating variants near c.97_100del (p.Lys33Argfs*4) have been reported to be pathogenic or likely pathogenic for ABCB4 deficiency [see for example, c.88_91del (p.Lys30Glyfs*7) in Table S6, Dröge et al. 2017. PubMed ID: 28733223; c.100del (p.Thr34Argfs*4) in Table S1, de Vries et al. 2020. PubMed ID: 32893960]. The c.97_100del (p.Lys33Argfs*4) variant is interpreted as likely pathogenic.

NM_000443.4(ABCB4):c.97_100del (p.Lys33fs)

Gene: ABCB4 (ATP binding cassette subfamily B member 4; minus strand). Cytogenetic location: 7q21.12.
Variant type: Deletion.
Coding change: c.97_100del on transcript NM_000443.4 (MANE Select); coding-DNA positions 97 to 100, 4 bases deleted (AAAA; older notation c.97_100delAAAA).
Protein change: p.Lys33fs; shifts the reading frame from lysine 33.
Molecular consequence: frameshift variant.
Genome position (GRCh38, 1-based): chr7:87,472,656-87,472,659, TTTT deleted on the plus strand (AAAA on the coding strand, the reverse complement: ABCB4 is on the minus strand); deleting any 4 consecutive bases within chr7:87,472,656-87,472,662 gives the same sequence; the c. name uses the placement nearest the transcript's 3' end. VCF-style (leftmost placement, unchanged base first): chr7-87472655-GTTTT-G. GRCh37 (hg19) VCF-style: chr7-87101971-GTTTT-G.
Other names: c.97_100del, p.Lys33fs (NM_018849.3, NM_018850.3); short protein forms K33fs.
Identifiers: ClinVar variation 4999246 (VCV004999246.1).